The following is an entry in ClinVar:

NM_004539.4(NARS1):c.49A>G (p.Thr17Ala)

Gene: NARS1 (asparaginyl-tRNA synthetase 1; minus strand). Cytogenetic location: 18q21.31.
Variant type: single nucleotide variant.
Coding change: c.49A>G on transcript NM_004539.4 (MANE Select); coding-DNA position 49, A replaced by G.
Protein change: p.Thr17Ala; replaces threonine 17 with alanine.
Molecular consequence: missense variant.
Genome position (GRCh38, 1-based): chr18:57,620,613, T>C on the plus strand (A>G on the coding strand, the complement: NARS1 is on the minus strand). VCF-style: chr18-57620613-T-C. GRCh37 (hg19) VCF-style: chr18-55287845-T-C.
Other names: short protein forms T17A.
Identifiers: ClinVar variation 2507147 (VCV002507147.1), dbSNP rs2511580214, ClinGen allele CA402554909.

ClinVar aggregate classification (germline): Uncertain significance (1 of 4 stars; one submission).

gnomAD v4.1: 2 of 1,613,986 alleles (0.00012%); highest among the groups gnomAD compares: Non-Finnish European, 0.00017%; no homozygotes.

Submission:

GeneDx
Classification: Uncertain significance. Last evaluated: 2022-12-19. Review status: criteria provided, single submitter. Criteria: GeneDx Variant Classification Process June 2021. Collection method: clinical testing. Allele origin: germline. Affected: yes.
Comment: Not observed at significant frequency in large population cohorts (gnomAD); In silico analysis supports that this missense variant does not alter protein structure/function; Has not been previously published as pathogenic or benign to our knowledge